The following is an entry in ClinVar:

NM_001040108.2(MLH3):c.521G>A (p.Arg174Lys)

Gene: MLH3 (mutL homolog 3; minus strand). Cytogenetic location: 14q24.3.
Variant type: single nucleotide variant.
Coding change: c.521G>A on transcript NM_001040108.2 (MANE Select); coding-DNA position 521, G replaced by A.
Protein change: p.Arg174Lys; replaces arginine 174 with lysine.
Molecular consequence: missense variant.
Genome position (GRCh38, 1-based): chr14:75,049,135, C>T on the plus strand (G>A on the coding strand, the complement: MLH3 is on the minus strand). VCF-style: chr14-75049135-C-T. GRCh37 (hg19) VCF-style: chr14-75515838-C-T.
Other names: c.521G>A, p.Arg174Lys (NM_014381.3); short protein forms R174K.
Identifiers: ClinVar variation 4860223 (VCV004860223.1).

ClinVar aggregate classification (germline): Uncertain significance (1 of 4 stars; one submission).

Submission:

Ambry Genetics
Classification: Uncertain significance. Last evaluated: 2026-05-31. Review status: criteria provided, single submitter. Criteria: Ambry Variant Classification Scheme 2023. Collection method: clinical testing. Allele origin: germline.
Comment: The p.R174K variant (also known as c.521G>A), located in coding exon 1 of the MLH3 gene, results from a G to A substitution at nucleotide position 521. The arginine at codon 174 is replaced by lysine, an amino acid with highly similar properties. This amino acid position is conserved. In addition, the in silico prediction for this alteration is inconclusive. Based on the available evidence, the clinical significance of this variant remains unclear.